The following is an entry in ClinVar:

NM_001378454.1(ALMS1):c.9654T>G (p.Ile3218Met)

Gene: ALMS1 (ALMS1 centrosome and basal body associated protein; plus strand). Cytogenetic location: 2p13.1.
Variant type: single nucleotide variant.
Coding change: c.9654T>G on transcript NM_001378454.1 (MANE Select); coding-DNA position 9654, T replaced by G.
Protein change: p.Ile3218Met; replaces isoleucine 3218 with methionine.
Molecular consequence: missense variant.
Genome position (GRCh38, 1-based): chr2:73,519,889, T>G. VCF-style: chr2-73519889-T-G. GRCh37 (hg19) VCF-style: chr2-73747016-T-G.
Other names: c.9657T>G, p.Ile3219Met (NM_015120.4); short protein forms I3219M, I3218M.
Identifiers: ClinVar variation 2127895 (VCV002127895.4), dbSNP rs772672912, ClinGen allele CA347281198.

ClinVar aggregate classification (germline): Uncertain significance (1 of 4 stars; one submission).

Conditions:
Alstrom syndrome (ALMS). Identifiers: Orphanet 64, MedGen C0268425, MONDO:0008763, OMIM 203800.

Submission:

Labcorp Genetics (formerly Invitae), Labcorp
Classification: Uncertain significance for Alstrom syndrome. Last evaluated: 2022-04-19. Review status: criteria provided, single submitter. Criteria: Invitae Variant Classification Sherloc (09022015). Collection method: clinical testing. Allele origin: germline.
Comment: This variant is not present in population databases (gnomAD no frequency). In summary, the available evidence is currently insufficient to determine the role of this variant in disease. Therefore, it has been classified as a Variant of Uncertain Significance. Experimental studies and prediction algorithms are not available or were not evaluated, and the functional significance of this variant is currently unknown. This variant has not been reported in the literature in individuals affected with ALMS1-related conditions. This sequence change replaces isoleucine, which is neutral and non-polar, with methionine, which is neutral and non-polar, at codon 3219 of the ALMS1 protein (p.Ile3219Met).